The following is an entry in ClinVar:

NM_003331.5(TYK2):c.698G>A (p.Arg233His)

Gene: TYK2 (tyrosine kinase 2; minus strand). Cytogenetic location: 19p13.2.
Variant type: single nucleotide variant.
Coding change: c.698G>A on transcript NM_003331.5 (MANE Select); coding-DNA position 698, G replaced by A.
Protein change: p.Arg233His; replaces arginine 233 with histidine.
Molecular consequence: missense variant. On other transcripts: intron variant (1).
Genome position (GRCh38, 1-based): chr19:10,365,830, C>T on the plus strand (G>A on the coding strand, the complement: TYK2 is on the minus strand). VCF-style: chr19-10365830-C-T. GRCh37 (hg19) VCF-style: chr19-10476506-C-T.
Other names: c.698G>A, p.Arg233His (NM_001385197.1, NM_001385198.1, NM_001385199.1 and 7 more transcripts); c.630-22G>A (NM_001385205.1); short protein forms R233H.
Identifiers: ClinVar variation 1024901 (VCV001024901.8), dbSNP rs753240259, ClinGen allele CA9193639.

ClinVar aggregate classification (germline): Uncertain significance (1 of 4 stars; one submission).

Conditions:
Immunodeficiency 35 (IMD35). Also called: TYK2 DEFICIENCY; HIES WITH ATYPICAL MYCOBACTERIOSIS, AUTOSOMAL RECESSIVE; HYPER-IgE SYNDROME WITH ATYPICAL MYCOBACTERIOSIS, AUTOSOMAL RECESSIVE; Susceptibility to infection due to TYK2 deficiency. Identifiers: Orphanet 331226, MedGen C1969086, MONDO:0012682, OMIM 611521.

Allele frequency attached by ClinVar (database versions not stated): gnomAD exomes 0.00001 and 0.00002; ExAC 0.00003.
gnomAD v4.1: 22 of 1,612,378 alleles (0.0014%); highest among the groups gnomAD compares: South Asian, 0.0044%; no homozygotes.

Submission:

Labcorp Genetics (formerly Invitae), Labcorp
Classification: Uncertain significance for Immunodeficiency 35. Last evaluated: 2024-11-11. Review status: criteria provided, single submitter. Criteria: Invitae Variant Classification Sherloc (09022015). Collection method: clinical testing. Allele origin: germline.
Comment: This sequence change replaces arginine, which is basic and polar, with histidine, which is basic and polar, at codon 233 of the TYK2 protein (p.Arg233His). This variant is present in population databases (rs753240259, gnomAD 0.007%). This variant has not been reported in the literature in individuals affected with TYK2-related conditions. ClinVar contains an entry for this variant (Variation ID: 1024901). Invitae Evidence Modeling of protein sequence and biophysical properties (such as structural, functional, and spatial information, amino acid conservation, physicochemical variation, residue mobility, and thermodynamic stability) has been performed for this missense variant. However, the output from this modeling did not meet the statistical confidence thresholds required to predict the impact of this variant on TYK2 protein function. In summary, the available evidence is currently insufficient to determine the role of this variant in disease. Therefore, it has been classified as a Variant of Uncertain Significance.